The following is an entry in ClinVar:

ClinVar aggregate classification (germline): Benign (1 of 4 stars; one submission).

Submission:

ISCA site 4
Classification: Benign. Last evaluated: 2011-08-12. Review status: criteria provided, single submitter. Criteria: Kaminsky et al. (Genet Med. 2011). Collection method: clinical testing. Allele origin: unknown. Affected: yes. Observed: 1 variant allele.
Comment: Copy number variation identified through the course of routine clinical cytogenomic testing in postnatal populations. Clinical assertions have been curated as described in Kaminsky et al. 2011.

GRCh38/hg38 4q35.2(chr4:188831734-189158143)x3

Genes: LOC126807272 (P300/CBP strongly-dependent group 1 enhancer GRCh37_chr4:189862417-189863616; plus strand), LOC126807273 (BRD4-independent group 4 enhancer GRCh37_chr4:189979694-189980893; plus strand). Cytogenetic location: 4q35.2.
Variant type: copy number gain.
Change: copy number 3 (three copies instead of two) of chr4:188,831,734-189,158,143 (326.4 kb, GRCh38 coordinates, 1-based), cytogenetic band 4q35.2.
Identifiers: ClinVar variation 57137 (VCV000057137.1).